The following is an entry in ClinVar:

ClinVar aggregate classification (germline): Likely benign. Review status: criteria provided, multiple submitters, no conflicts (2 of 4 stars). 3 submissions from 3 submitters: Likely benign (3). Last evaluated 2026-01-27.

Conditions:
Hereditary cancer-predisposing syndrome. Also called: Hereditary Cancer Syndrome; Hereditary neoplastic syndrome; Neoplastic Syndromes, Hereditary; Tumor predisposition. Identifiers: Orphanet 140162, MedGen C0027672, MeSH D009386, MONDO:0015356.
Familial cancer of breast. Also called: hereditary breast carcinoma; BREAST CANCER, FAMILIAL; Hereditary breast cancer. Identifiers: Orphanet 227535, MedGen C0346153, MONDO:0016419, OMIM 114480. Disease mechanism: loss of function.
Ataxia-telangiectasia syndrome (AT). Also called: Ataxia-telangiectasia, complementation group E; LOUIS-BAR SYNDROME; Cerebello-oculocutaneous telangiectasia; Immunodeficiency with ataxia telangiectasia; Ataxia-telangiectasia, complementation group D; AT, COMPLEMENTATION GROUP C. Identifiers: Orphanet 100, MedGen C0004135, MONDO:0008840, OMIM 208900.

Submissions (3):

Labcorp Genetics (formerly Invitae), Labcorp
Classification: Likely benign for Ataxia-telangiectasia syndrome. Last evaluated: 2026-01-27. Review status: criteria provided, single submitter. Criteria: Invitae Variant Classification Sherloc (09022015). Collection method: clinical testing. Allele origin: germline.

Myriad Genetics, Inc.
Classification: Likely benign for Familial cancer of breast. Last evaluated: 2024-04-18. Review status: criteria provided, single submitter. Criteria: Myriad Autosomal Dominant, Autosomal Recessive and X-Linked Classification Criteria (2023). Collection method: clinical testing. Allele origin: unknown.
Comment: This variant is considered likely benign. This variant is intronic and is not expected to impact mRNA splicing.

Color Diagnostics, LLC DBA Color Health
Classification: Likely benign for Hereditary cancer-predisposing syndrome. Last evaluated: 2018-12-14. Review status: criteria provided, single submitter. Criteria: ACMG Guidelines, 2015. Collection method: clinical testing. Allele origin: germline.

NM_000051.4(ATM):c.332-20_332-17del

Gene: ATM (ATM serine/threonine kinase; plus strand). Cytogenetic location: 11q22.3.
Variant type: Deletion.
Coding change: c.332-20_332-17del on transcript NM_000051.4 (MANE Select); 20 bases into the intron before coding-DNA position 332 through 17 bases into the intron before coding-DNA position 332, 4 bases deleted (ATTT; older notation c.332-20_332-17delATTT).
Molecular consequence: intron variant.
Genome position (GRCh38, 1-based): chr11:108,235,650-108,235,653, ATTT deleted; deleting any 4 consecutive bases within chr11:108,235,647-108,235,653 gives the same sequence; the c. name uses the placement nearest the transcript's 3' end. VCF-style (leftmost placement, unchanged base first): chr11-108235646-CTTTA-C. GRCh37 (hg19) VCF-style: chr11-108106373-CTTTA-C.
Other names: c.332-20_332-17del (NM_001351834.2).
Identifiers: ClinVar variation 923252 (VCV000923252.11), dbSNP rs898739905, ClinGen allele CA228374611.
Genomic context (GRCh38, chr11:108,235,646, plus strand): 5'-TGGAATTATTTAAATAGTTGCCATTCCAAGTGTCTTATTTTTGTTCAAATTTATGTTTTT[CTTTA>C]TTTGTTTATTTTGAAATAGGAGCACCTAGGCTAAAATGTCAAGAACTCTTAAATTATATC-3'